The following is an entry in ClinVar:

NM_001177316.2(SLC34A3):c.1765G>T (p.Glu589Ter)

Genes: SLC34A3 (solute carrier family 34 member 3; plus strand), LOC130003098 (ATAC-STARR-seq lymphoblastoid silent region 20596; plus strand). Cytogenetic location: 9q34.3.
Variant type: single nucleotide variant.
Coding change: c.1765G>T on transcript NM_001177316.2 (MANE Select); coding-DNA position 1765, G replaced by T.
Protein change: p.Glu589Ter; replaces glutamic acid 589 with a stop codon.
Molecular consequence: nonsense.
Genome position (GRCh38, 1-based): chr9:137,236,381, G>T. VCF-style: chr9-137236381-G-T. GRCh37 (hg19) VCF-style: chr9-140130833-G-T.
Other names: c.1765G>T, p.Glu589Ter (NM_001177317.2, NM_080877.3); short protein forms E589*.
Identifiers: ClinVar variation 3239484 (VCV003239484.19), dbSNP rs376700316.

ClinVar aggregate classification (germline): Uncertain significance (1 of 4 stars; one submission).

Submission:

CeGaT Center for Human Genetics Tuebingen
Classification: Uncertain significance. Last evaluated: 2024-05-01. Review status: criteria provided, single submitter. Criteria: CeGaT Center For Human Genetics Tuebingen Variant Classification Criteria Version 2. Collection method: clinical testing. Allele origin: germline. Affected: yes. Observed: 1 variant allele.
Comment: SLC34A3: PM2, PVS1:Moderate, PP4